The following is an entry in ClinVar:

NM_018127.7(ELAC2):c.1659+8T>C

Gene: ELAC2 (elaC ribonuclease Z 2; minus strand). Cytogenetic location: 17p12.
Variant type: single nucleotide variant.
Coding change: c.1659+8T>C on transcript NM_018127.7 (MANE Select); 8 bases into the intron after coding-DNA position 1659, T replaced by C.
Molecular consequence: intron variant.
Genome position (GRCh38, 1-based): chr17:12,996,539, A>G on the plus strand (T>C on the coding strand, the complement: ELAC2 is on the minus strand). VCF-style: chr17-12996539-A-G. GRCh37 (hg19) VCF-style: chr17-12899856-A-G.
Other names: c.1659+8T>C (NM_018127.6); c.1539+8T>C (NM_001165962.2); c.1656+8T>C (NM_173717.2).
Identifiers: ClinVar variation 2196721 (VCV002196721.6), dbSNP rs1358037561, ClinGen allele CA726200788.

ClinVar aggregate classification (germline): Likely benign. Review status: criteria provided, single submitter (1 of 4 stars). 2 submissions from 2 submitters: Likely benign (1). 1 of the submissions does not count toward it. Last evaluated 2025-01-30.

Conditions:
Combined oxidative phosphorylation defect type 17. Also called: Combined oxidative phosphorylation deficiency 17. Identifiers: Orphanet 369913, MedGen C3809526, MONDO:0014190, OMIM 615440.
ELAC2-related disorder. Also called: ELAC2-related condition.

Allele frequency attached by ClinVar (database versions not stated): gnomAD exomes below 0.00001; gnomAD 0.00001; TOPMed 0.00001.
gnomAD v4.1: 3 of 1,613,690 alleles (0.00019%); highest among the groups gnomAD compares: Non-Finnish European, 0.00025%; no homozygotes.

Submissions (2):

Labcorp Genetics (formerly Invitae), Labcorp
Classification: Likely benign for Combined oxidative phosphorylation defect type 17. Last evaluated: 2025-01-30. Review status: criteria provided, single submitter. Criteria: Invitae Variant Classification Sherloc (09022015). Collection method: clinical testing. Allele origin: germline.

PreventionGenetics, part of Exact Sciences
Classification: Likely benign for ELAC2-related condition. Last evaluated: 2019-08-07. Review status: no assertion criteria provided. Collection method: clinical testing. Allele origin: germline. Not counted in ClinVar's aggregate classification.
Comment: This variant is classified as likely benign based on ACMG/AMP sequence variant interpretation guidelines (Richards et al. 2015 PMID: 25741868, with internal and published modifications).